The following is an entry in ClinVar:

NM_016312.3(WBP11):c.631G>C (p.Val211Leu)

Gene: WBP11 (WW domain binding protein 11; minus strand). Cytogenetic location: 12p12.3.
Variant type: single nucleotide variant.
Coding change: c.631G>C on transcript NM_016312.3 (MANE Select); coding-DNA position 631, G replaced by C.
Protein change: p.Val211Leu; replaces valine 211 with leucine.
Molecular consequence: missense variant.
Genome position (GRCh38, 1-based): chr12:14,794,627, C>G on the plus strand (G>C on the coding strand, the complement: WBP11 is on the minus strand). VCF-style: chr12-14794627-C-G. GRCh37 (hg19) VCF-style: chr12-14947561-C-G.
Other names: short protein forms V211L.
Identifiers: ClinVar variation 5020762 (VCV005020762.1).

ClinVar aggregate classification (germline): Uncertain significance (1 of 4 stars; one submission).

Submission:

Dasa
Classification: Uncertain significance. Last evaluated: 2025-12-12. Review status: criteria provided, single submitter. Criteria: DASA Assertion Criteria. Collection method: clinical testing. Allele origin: germline.
Comment: NM_016312.3(WBP11):c.631G>C (p.Val211Leu) is a missense variant that results in the substitution of valine with leucine. This variant is absent from population databases. The currently available literature and clinical evidence are not sufficient to establish a definitive association between this variant and the reported condition. Therefore, this variant is classified as a variant of uncertain significance.